The following is an entry in ClinVar:

NM_001081.4(CUBN):c.10544T>C (p.Leu3515Pro)

Gene: CUBN (cubilin; minus strand). Cytogenetic location: 10p13.
Variant type: single nucleotide variant.
Coding change: c.10544T>C on transcript NM_001081.4 (MANE Select); coding-DNA position 10544, T replaced by C.
Protein change: p.Leu3515Pro; replaces leucine 3515 with proline.
Molecular consequence: missense variant.
Genome position (GRCh38, 1-based): chr10:16,829,025, A>G on the plus strand (T>C on the coding strand, the complement: CUBN is on the minus strand). VCF-style: chr10-16829025-A-G. GRCh37 (hg19) VCF-style: chr10-16871024-A-G.
Other names: short protein forms L3515P.
Identifiers: ClinVar variation 2724961 (VCV002724961.4), dbSNP rs1413444675, ClinGen allele CA376120252.

ClinVar aggregate classification (germline): Uncertain significance. Review status: criteria provided, multiple submitters, no conflicts (2 of 4 stars). 2 submissions from 2 submitters: Uncertain significance (2). Last evaluated 2024-01-13.

Conditions:
Imerslund-Grasbeck syndrome type 1 (IGS1). Also called: Megaloblastic anemia 1, Finnish type; Imerslund-Gräsbeck syndrome 1; MEGALOBLASTIC ANEMIA, 1. Identifiers: MedGen C4016819, MONDO:0100156, OMIM 261100.
Proteinuria, chronic benign. Identifiers: MedGen C5394384, MONDO:0030042, OMIM 618884.
Imerslund-Grasbeck syndrome. Also called: ENTEROCYTE COBALAMIN MALABSORPTION; ENTEROCYTE INTRINSIC FACTOR RECEPTOR, DEFECT OF; PERNICIOUS ANEMIA, JUVENILE, DUE TO SELECTIVE INTESTINAL MALABSORPTION OF VITAMIN B12, WITH PROTEINURIA; Megaloblastic anemia due to inborn errors of metabolism; Imerslund-Gräsbeck syndrome. Identifiers: Orphanet 35858, MedGen C4551825, MONDO:0009853.

Allele frequency attached by ClinVar (database versions not stated): gnomAD exomes 0.00001.
gnomAD v4.1: 21 of 1,614,002 alleles (0.0013%); highest among the groups gnomAD compares: Non-Finnish European, 0.0018%; no homozygotes.

Submissions (2):

Fulgent Genetics
Classification: Uncertain significance for Imerslund-Grasbeck syndrome type 1; Proteinuria, chronic benign. Last evaluated: 2024-01-13. Review status: criteria provided, single submitter. Criteria: ACMG Guidelines, 2015. Collection method: clinical testing. Allele origin: germline.

Labcorp Genetics (formerly Invitae), Labcorp
Classification: Uncertain significance for Imerslund-Grasbeck syndrome. Last evaluated: 2023-11-10. Review status: criteria provided, single submitter. Criteria: Invitae Variant Classification Sherloc (09022015). Collection method: clinical testing. Allele origin: germline.
Comment: This sequence change replaces leucine, which is neutral and non-polar, with proline, which is neutral and non-polar, at codon 3515 of the CUBN protein (p.Leu3515Pro). This variant is present in population databases (no rsID available, gnomAD 0.0009%). This variant has not been reported in the literature in individuals affected with CUBN-related conditions. Advanced modeling of protein sequence and biophysical properties (such as structural, functional, and spatial information, amino acid conservation, physicochemical variation, residue mobility, and thermodynamic stability) performed at Invitae indicates that this missense variant is expected to disrupt CUBN protein function with a positive predictive value of 80%. In summary, the available evidence is currently insufficient to determine the role of this variant in disease. Therefore, it has been classified as a Variant of Uncertain Significance.